The following is an entry in ClinVar:

NM_012418.4(FSCN2):c.596G>A (p.Arg199His)

Gene: FSCN2 (fascin actin-bundling protein 2, retinal; plus strand). Cytogenetic location: 17q25.3.
Variant type: single nucleotide variant.
Coding change: c.596G>A on transcript NM_012418.4 (MANE Select); coding-DNA position 596, G replaced by A.
Protein change: p.Arg199His; replaces arginine 199 with histidine.
Molecular consequence: missense variant.
Genome position (GRCh38, 1-based): chr17:81,529,127, G>A. VCF-style: chr17-81529127-G-A. GRCh37 (hg19) VCF-style: chr17-79496153-G-A.
Other names: c.596G>A, p.Arg199His (NM_001077182.3); short protein forms R199H.
Identifiers: ClinVar variation 2970642 (VCV002970642.3), dbSNP rs201632465, ClinGen allele CA8836732.

ClinVar aggregate classification (germline): Uncertain significance (1 of 4 stars; one submission).

Allele frequency attached by ClinVar (database versions not stated): gnomAD exomes 0.00002; TOPMed 0.00002; 1000 Genomes Project 0.00020; gnomAD 0.00002; 1000 Genomes Project 30x 0.00016.
gnomAD v4.1: 31 of 1,582,934 alleles (0.002%); highest among the groups gnomAD compares: African/African-American, 0.0054%; no homozygotes.

Submission:

Labcorp Genetics (formerly Invitae), Labcorp
Classification: Uncertain significance. Last evaluated: 2025-05-30. Review status: criteria provided, single submitter. Criteria: Invitae Variant Classification Sherloc (09022015). Collection method: clinical testing. Allele origin: germline.
Comment: This sequence change replaces arginine, which is basic and polar, with histidine, which is basic and polar, at codon 199 of the FSCN2 protein (p.Arg199His). The frequency data for this variant in the population databases is considered unreliable, as metrics indicate poor data quality at this position in the gnomAD database. This variant has not been reported in the literature in individuals affected with FSCN2-related conditions. ClinVar contains an entry for this variant (Variation ID: 2970642). An algorithm developed to predict the effect of missense changes on protein structure and function outputs the following: PolyPhen-2: "Benign". The histidine amino acid residue is found in multiple mammalian species, which suggests that this missense change does not adversely affect protein function. In summary, the available evidence is currently insufficient to determine the role of this variant in disease. Therefore, it has been classified as a Variant of Uncertain Significance.